The following is an entry in ClinVar:

NM_012123.4(MTO1):c.1051A>G (p.Met351Val)

Gene: MTO1 (mitochondrial tRNA translation optimization 1; plus strand). Cytogenetic location: 6q13.
Variant type: single nucleotide variant.
Coding change: c.1051A>G on transcript NM_012123.4 (MANE Select); coding-DNA position 1051, A replaced by G.
Protein change: p.Met351Val; replaces methionine 351 with valine.
Molecular consequence: missense variant.
Genome position (GRCh38, 1-based): chr6:73,480,048, A>G. VCF-style: chr6-73480048-A-G. GRCh37 (hg19) VCF-style: chr6-74189771-A-G.
Other names: p.Met351Val; c.1051A>G (NM_001123226.1); c.1051A>G, p.Met351Val (NM_001123226.2, NM_133645.3); short protein forms M351V.
Identifiers: ClinVar variation 240845 (VCV000240845.20), dbSNP rs144075994, ClinGen allele CA3889509.

ClinVar aggregate classification (germline): Benign/Likely benign. Review status: criteria provided, multiple submitters, no conflicts (2 of 4 stars). 5 submissions from 5 submitters: Benign (3); Likely benign (2). Last evaluated 2026-01-27.

Conditions:
Inborn genetic diseases. Identifiers: MedGen C0950123, MeSH D030342.
Mitochondrial hypertrophic cardiomyopathy with lactic acidosis due to MTO1 deficiency. Also called: CARDIOMYOPATHY, INFANTILE HYPERTROPHIC MITOCHONDRIAL, AND LACTIC ACIDOSIS; Combined oxidative phosphorylation deficiency 10. Identifiers: Orphanet 314637, MedGen C4749921, MONDO:0013865, OMIM 614702.

Allele frequency attached by ClinVar (database versions not stated): gnomAD exomes 0.00026 and 0.00062; ExAC 0.00083; 1000 Genomes Project 0.00160; 1000 Genomes Project 30x 0.00172; gnomAD 0.00240 and 0.00261; TOPMed 0.00272; ESP Exome Variant Server 0.00392.
gnomAD v4.1: 764 of 1,614,186 alleles (0.047%); highest among the groups gnomAD compares: African/African-American, 0.9%; 8 homozygotes.

Submissions (5):

Labcorp Genetics (formerly Invitae), Labcorp
Classification: Likely benign for Mitochondrial hypertrophic cardiomyopathy with lactic acidosis due to MTO1 deficiency. Last evaluated: 2026-01-27. Review status: criteria provided, single submitter. Criteria: Invitae Variant Classification Sherloc (09022015). Collection method: clinical testing. Allele origin: germline.

CeGaT Center for Human Genetics Tuebingen
Classification: Likely benign. Last evaluated: 2025-11-01. Review status: criteria provided, single submitter. Criteria: CeGaT Center For Human Genetics Tuebingen Variant Classification Criteria Version 2. Collection method: clinical testing. Allele origin: germline. Affected: yes. Observed: 1 variant allele.
Comment: MTO1: BP4, BS2

Mayo Clinic Laboratories, Mayo Clinic
Classification: Benign. Last evaluated: 2023-04-24. Review status: criteria provided, single submitter. Criteria: ACMG Guidelines, 2015. Collection method: clinical testing. Allele origin: germline. Observed: 7 variant alleles.
Comment: BS1, BS2, BP4_strong

Ambry Genetics
Classification: Benign for Inborn genetic diseases. Last evaluated: 2022-06-15. Review status: criteria provided, single submitter. Criteria: Ambry Variant Classification Scheme 2023. Collection method: clinical testing. Allele origin: germline.

GeneDx
Classification: Benign. Last evaluated: 2015-09-14. Review status: criteria provided, single submitter. Criteria: GeneDx Variant Classification (06012015). Collection method: clinical testing. Allele origin: germline. Affected: yes.
Comment: This variant is considered likely benign or benign based on one or more of the following criteria: it is a conservative change, it occurs at a poorly conserved position in the protein, it is predicted to be benign by multiple in silico algorithms, and/or has population frequency not consistent with disease.